The following is an entry in ClinVar:

ClinVar aggregate classification (germline): Uncertain significance (1 of 4 stars; one submission).

Conditions:
Hereditary cancer-predisposing syndrome. Also called: Neoplastic Syndromes, Hereditary; Tumor predisposition; Hereditary neoplastic syndrome; Hereditary Cancer Syndrome. Identifiers: Orphanet 140162, MedGen C0027672, MeSH D009386, MONDO:0015356.

Submission:

Ambry Genetics
Classification: Uncertain significance for Hereditary cancer-predisposing syndrome. Last evaluated: 2026-07-07. Review status: criteria provided, single submitter. Criteria: Ambry Variant Classification Scheme 2023. Collection method: clinical testing. Allele origin: germline.
Comment: The p.P306A variant (also known as c.916C>G), located in coding exon 8 of the NBN gene, results from a C to G substitution at nucleotide position 916. The proline at codon 306 is replaced by alanine, an amino acid with highly similar properties. This amino acid position is conserved. In addition, this alteration is predicted to be tolerated by in silico analysis. Based on the available evidence, the clinical significance of this variant remains unclear.

NM_002485.5(NBN):c.916C>G (p.Pro306Ala)

Gene: NBN (nibrin; minus strand). Cytogenetic location: 8q21.3.
Variant type: single nucleotide variant.
Coding change: c.916C>G on transcript NM_002485.5 (MANE Select); coding-DNA position 916, C replaced by G.
Protein change: p.Pro306Ala; replaces proline 306 with alanine.
Molecular consequence: missense variant.
Genome position (GRCh38, 1-based): chr8:89,964,488, G>C on the plus strand (C>G on the coding strand, the complement: NBN is on the minus strand). VCF-style: chr8-89964488-G-C. GRCh37 (hg19) VCF-style: chr8-90976716-G-C.
Other names: c.670C>G, p.Pro224Ala (NM_001024688.3, NM_001440379.1, NM_001440380.1); short protein forms P224A, P306A.
Identifiers: ClinVar variation 5025413 (VCV005025413.1).